The following is an entry in ClinVar:

NM_000143.4(FH):c.1449_1453del (p.Lys483fs)

Gene: FH (fumarate hydratase; minus strand). Cytogenetic location: 1q43.
Variant type: Deletion.
Coding change: c.1449_1453del on transcript NM_000143.4 (MANE Select); coding-DNA positions 1449 to 1453, 5 bases deleted (GGAAA; older notation c.1449_1453delGGAAA).
Protein change: p.Lys483fs; shifts the reading frame from lysine 483.
Molecular consequence: frameshift variant.
Genome position (GRCh38, 1-based): chr1:241,497,908-241,497,912, TTTCC deleted on the plus strand (GGAAA on the coding strand, the reverse complement: FH is on the minus strand); deleting any 5 consecutive bases within chr1:241,497,908-241,497,915 gives the same sequence; the c. name uses the placement nearest the transcript's 3' end. VCF-style (leftmost placement, unchanged base first): chr1-241497907-GTTTCC-G. GRCh37 (hg19) VCF-style: chr1-241661207-GTTTCC-G.
Other names: short protein forms K483fs.
Identifiers: ClinVar variation 4715426 (VCV004715426.1).

ClinVar aggregate classification (germline): Pathogenic (1 of 4 stars; one submission).

Submission:

Labcorp Genetics (formerly Invitae), Labcorp
Classification: Pathogenic. Last evaluated: 2025-03-20. Review status: criteria provided, single submitter. Criteria: Invitae Variant Classification Sherloc (09022015). Collection method: clinical testing. Allele origin: germline.
Comment: This sequence change creates a premature translational stop signal (p.Lys483Asnfs*14) in the FH gene. While this is not anticipated to result in nonsense mediated decay, it is expected to disrupt the last 28 amino acid(s) of the FH protein. This variant is not present in population databases (gnomAD no frequency). This variant has not been reported in the literature in individuals affected with FH-related conditions. This variant disrupts a region of the FH protein in which other variant(s) (p.Trp500*) have been determined to be pathogenic (PMID: 9635293). This suggests that this is a clinically significant region of the protein, and that variants that disrupt it are likely to be disease-causing. For these reasons, this variant has been classified as Pathogenic.

Literature cited by the submitters: PubMed 9635293.